The following is an entry in ClinVar:

ClinVar aggregate classification (germline): Conflicting classifications of pathogenicity. Review status: criteria provided, conflicting classifications (1 of 4 stars). 4 submissions from 4 submitters: Uncertain significance (3); Likely benign (1). Last evaluated 2023-06-03.

Conditions:
Epidermolysis bullosa simplex 5B, with muscular dystrophy (EBS5B). Also called: EPIDERMOLYSIS BULLOSA SIMPLEX AND LIMB-GIRDLE MUSCULAR DYSTROPHY; Epidermolysis bullosa simplex with muscular dystrophy. Identifiers: Orphanet 257, MedGen C2931072, MONDO:0009181, OMIM 226670.
Epidermolysis bullosa simplex, Ogna type (EBS5A). Also called: Pidermolysis bullosa simplex 5A, Ogna type; EPIDERMOLYSIS BULLOSA SIMPLEX 5A, OGNA TYPE. Identifiers: Orphanet 79401, MedGen C0432317, MONDO:0007555, OMIM 131950.
Autosomal recessive limb-girdle muscular dystrophy type 2Q (LGMDR17). Also called: MUSCULAR DYSTROPHY, LIMB-GIRDLE, AUTOSOMAL RECESSIVE 17. Identifiers: Orphanet 254361, MedGen C3150989, MONDO:0013390, OMIM 613723.
Epidermolysis bullosa simplex 5C, with pyloric atresia (EBS5C). Also called: Epidermolysis bullosa simplex with pyloric atresia; PLEC1-Related Epidermolysis Bullosa with Pyloric Atresia; PLEC-Related Epidermolysis Bullosa with Pyloric Atresia. Identifiers: Orphanet 158684, MedGen C2677349, MONDO:0012807, OMIM 612138.
Epidermolysis bullosa simplex with nail dystrophy (EBS5D). Identifiers: MedGen C4225309, MONDO:0014661, OMIM 616487.

Allele frequency attached by ClinVar (database versions not stated): gnomAD 0.00001; TOPMed 0.00001; gnomAD exomes 0.00002.
gnomAD v4.1: 66 of 1,611,700 alleles (0.0041%); highest among the groups gnomAD compares: African/African-American, 0.0067%; no homozygotes.

Submissions (4):

Labcorp Genetics (formerly Invitae), Labcorp
Classification: Uncertain significance for Autosomal recessive limb-girdle muscular dystrophy type 2Q; Epidermolysis bullosa simplex, Ogna type; Epidermolysis bullosa simplex with nail dystrophy; Epidermolysis bullosa simplex 5C, with pyloric atresia; Epidermolysis bullosa simplex 5B, with muscular dystrophy. Last evaluated: 2023-06-03. Review status: criteria provided, single submitter. Criteria: Invitae Variant Classification Sherloc (09022015). Collection method: clinical testing. Allele origin: germline.
Comment: This sequence change replaces alanine, which is neutral and non-polar, with valine, which is neutral and non-polar, at codon 2939 of the PLEC protein (p.Ala2939Val). ClinVar contains an entry for this variant (Variation ID: 497155). This variant has not been reported in the literature in individuals affected with PLEC-related conditions. The frequency data for this variant in the population databases is considered unreliable, as metrics indicate poor data quality at this position in the gnomAD database. In summary, the available evidence is currently insufficient to determine the role of this variant in disease. Therefore, it has been classified as a Variant of Uncertain Significance. An algorithm developed to predict the effect of missense changes on protein structure and function (PolyPhen-2) suggests that this variant is likely to be tolerated.

Revvity Omics, Revvity
Classification: Uncertain significance. Last evaluated: 2019-04-03. Review status: criteria provided, single submitter. Criteria: ACMG Guidelines, 2015. Collection method: clinical testing. Allele origin: germline.

GeneDx
Classification: Likely benign. Last evaluated: 2018-03-20. Review status: criteria provided, single submitter. Criteria: GeneDx Variant Classification (06012015). Collection method: clinical testing. Allele origin: germline. Affected: yes.
Comment: This variant is considered likely benign or benign based on one or more of the following criteria: it is a conservative change, it occurs at a poorly conserved position in the protein, it is predicted to be benign by multiple in silico algorithms, and/or has population frequency not consistent with disease.

Eurofins Ntd Llc (ga)
Classification: Uncertain significance. Last evaluated: 2018-03-19. Review status: criteria provided, single submitter. Criteria: EGL ClinVar v180209 classification definitions. Collection method: clinical testing. Allele origin: germline. Observed: 2 variant alleles, 2 heterozygotes.

NM_201384.3(PLEC):c.8735C>T (p.Ala2912Val)

Gene: PLEC (plectin; minus strand). Cytogenetic location: 8q24.3.
Variant type: single nucleotide variant.
Coding change: c.8735C>T on transcript NM_201384.3 (MANE Select); coding-DNA position 8735, C replaced by T.
Protein change: p.Ala2912Val; replaces alanine 2912 with valine.
Molecular consequence: missense variant.
Genome position (GRCh38, 1-based): chr8:143,921,086, G>A on the plus strand (C>T on the coding strand, the complement: PLEC is on the minus strand). VCF-style: chr8-143921086-G-A. GRCh37 (hg19) VCF-style: chr8-144995254-G-A.
Other names: c.8816C>T, p.Ala2939Val (NM_000445.5); c.8693C>T, p.Ala2898Val (NM_201378.4); c.8669C>T, p.Ala2890Val (NM_201379.3); c.9146C>T, p.Ala3049Val (NM_201380.4); c.8639C>T, p.Ala2880Val (NM_201381.3); c.8735C>T, p.Ala2912Val (NM_201382.4); c.8747C>T, p.Ala2916Val (NM_201383.3); short protein forms A2880V, A2890V, A2898V, A2912V, A2916V, A2939V, A3049V.
Identifiers: ClinVar variation 497155 (VCV000497155.15), dbSNP rs935096656, ClinGen allele CA187611776.